The following is an entry in ClinVar:

ClinVar aggregate classification (germline): Uncertain significance (1 of 4 stars; one submission).

Allele frequency attached by ClinVar (database versions not stated): gnomAD 0.00001; ExAC 0.00004; gnomAD exomes 0.00005.

Submission:

Labcorp Genetics (formerly Invitae), Labcorp
Classification: Uncertain significance. Last evaluated: 2022-05-19. Review status: criteria provided, single submitter. Criteria: Invitae Variant Classification Sherloc (09022015). Collection method: clinical testing. Allele origin: germline.
Comment: This variant is present in population databases (rs773873945, gnomAD 0.04%), including at least one homozygous and/or hemizygous individual. This sequence change replaces serine, which is neutral and polar, with threonine, which is neutral and polar, at codon 319 of the PARS2 protein (p.Ser319Thr). This variant has not been reported in the literature in individuals affected with PARS2-related conditions. Algorithms developed to predict the effect of missense changes on protein structure and function (SIFT, PolyPhen-2, Align-GVGD) all suggest that this variant is likely to be tolerated. In summary, the available evidence is currently insufficient to determine the role of this variant in disease. Therefore, it has been classified as a Variant of Uncertain Significance.

NM_152268.4(PARS2):c.955T>A (p.Ser319Thr)

Gene: PARS2 (prolyl-tRNA synthetase 2, mitochondrial; minus strand). Cytogenetic location: 1p32.3.
Variant type: single nucleotide variant.
Coding change: c.955T>A on transcript NM_152268.4 (MANE Select); coding-DNA position 955, T replaced by A.
Protein change: p.Ser319Thr; replaces serine 319 with threonine.
Molecular consequence: missense variant.
Genome position (GRCh38, 1-based): chr1:54,758,207, A>T on the plus strand (T>A on the coding strand, the complement: PARS2 is on the minus strand). VCF-style: chr1-54758207-A-T. GRCh37 (hg19) VCF-style: chr1-55223880-A-T.
Other names: short protein forms S319T.
Identifiers: ClinVar variation 1916138 (VCV001916138.5), dbSNP rs773873945, ClinGen allele CA869383.